The following is an entry in ClinVar:

NM_006005.3(WFS1):c.1988C>A (p.Thr663Lys)

Gene: WFS1 (wolframin ER transmembrane glycoprotein; plus strand). Cytogenetic location: 4p16.1.
Variant type: single nucleotide variant.
Coding change: c.1988C>A on transcript NM_006005.3 (MANE Select); coding-DNA position 1988, C replaced by A.
Protein change: p.Thr663Lys; replaces threonine 663 with lysine.
Molecular consequence: missense variant.
Genome position (GRCh38, 1-based): chr4:6,301,783, C>A. VCF-style: chr4-6301783-C-A. GRCh37 (hg19) VCF-style: chr4-6303510-C-A.
Other names: c.1988C>A, p.Thr663Lys (NM_001145853.1); short protein forms T663K.
Identifiers: ClinVar variation 3637011 (VCV003637011.2).

ClinVar aggregate classification (germline): Uncertain significance (1 of 4 stars; one submission).

Submission:

Labcorp Genetics (formerly Invitae), Labcorp
Classification: Uncertain significance. Last evaluated: 2024-07-11. Review status: criteria provided, single submitter. Criteria: Invitae Variant Classification Sherloc (09022015). Collection method: clinical testing. Allele origin: germline.
Comment: This sequence change replaces threonine, which is neutral and polar, with lysine, which is basic and polar, at codon 663 of the WFS1 protein (p.Thr663Lys). This variant is not present in population databases (gnomAD no frequency). This variant has not been reported in the literature in individuals affected with WFS1-related conditions. Advanced modeling of protein sequence and biophysical properties (such as structural, functional, and spatial information, amino acid conservation, physicochemical variation, residue mobility, and thermodynamic stability) performed at Invitae indicates that this missense variant is expected to disrupt WFS1 protein function with a positive predictive value of 80%. In summary, the available evidence is currently insufficient to determine the role of this variant in disease. Therefore, it has been classified as a Variant of Uncertain Significance.